The following is an entry in ClinVar:

ClinVar aggregate classification (germline): Uncertain significance. Review status: criteria provided, multiple submitters, no conflicts (2 of 4 stars). 2 submissions from 2 submitters: Uncertain significance (2). Last evaluated 2018-10-30.

gnomAD v4.1: 17 of 1,613,724 alleles (0.0011%); highest among the groups gnomAD compares: Non-Finnish European, 0.0014%; no homozygotes.

Submissions (2):

Blueprint Genetics
Classification: Uncertain significance. Last evaluated: 2018-10-30. Review status: criteria provided, single submitter. Criteria: ACMG Guidelines, 2015. Collection method: clinical testing. Allele origin: germline.

ARUP Laboratories, Molecular Genetics and Genomics, ARUP Laboratories
Classification: Uncertain significance. Review status: criteria provided, single submitter. Criteria: ARUP Molecular Germline Variant Investigation Process 2024. Collection method: clinical testing. Allele origin: germline.
Comment: The PAX2 c.213-7G>A variant (rs374371889), to our knowledge, is not reported in the medical literature or gene specific databases. This variant is found in the general population with an overall allele frequency of 0.000018 (5/282022 alleles) in the Genome Aggregation Database (v2.1.1). This is an intronic variant and computational analyses (Alamut Visual Plus v.1.11) predict that this variant may impact splicing by weakening the nearby canonical acceptor splice site. Given the lack of clinical and functional data, including an uncertain effect on splicing, the significance of this variant is uncertain at this time.

NM_000278.5(PAX2):c.213-7G>A

Gene: PAX2 (paired box 2; plus strand). Cytogenetic location: 10q24.31.
Variant type: single nucleotide variant.
Coding change: c.213-7G>A on transcript NM_000278.5 (MANE Select); 7 bases into the intron before coding-DNA position 213, G replaced by A.
Molecular consequence: intron variant.
Genome position (GRCh38, 1-based): chr10:100,750,687, G>A. VCF-style: chr10-100750687-G-A. GRCh37 (hg19) VCF-style: chr10-102510444-G-A.
Other names: c.306-7G>A (NM_001304569.2); c.213-7G>A (NM_003987.5, NM_003990.5, NM_003988.5 and 1 more transcripts).
Identifiers: ClinVar variation 4686005 (VCV004686005.2).